The following is an entry in ClinVar:

ClinVar aggregate classification (germline): Uncertain significance (1 of 4 stars; one submission).

Conditions:
KMT2D-related disorder. Also called: KMT2D-Related Disorders.

Submission:

PreventionGenetics, part of Exact Sciences
Classification: Uncertain significance for KMT2D-related condition. Last evaluated: 2025-07-01. Review status: criteria provided, single submitter. Criteria: ACMG Guidelines, 2015. Collection method: clinical testing. Allele origin: germline.
Comment: The KMT2D c.3056C>T variant is predicted to result in the amino acid substitution p.Pro1019Leu. To our knowledge, this variant has not been reported in the literature or in a large population database (gnomAD), indicating this variant is rare. At this time, the clinical significance of this variant is uncertain due to the absence of conclusive functional and genetic evidence.

NM_003482.4(KMT2D):c.3056C>T (p.Pro1019Leu)

Gene: KMT2D (lysine methyltransferase 2D; minus strand). Cytogenetic location: 12q13.12.
Variant type: single nucleotide variant.
Coding change: c.3056C>T on transcript NM_003482.4 (MANE Select); coding-DNA position 3056, C replaced by T.
Protein change: p.Pro1019Leu; replaces proline 1019 with leucine.
Molecular consequence: missense variant.
Genome position (GRCh38, 1-based): chr12:49,050,532, G>A on the plus strand (C>T on the coding strand, the complement: KMT2D is on the minus strand). VCF-style: chr12-49050532-G-A. GRCh37 (hg19) VCF-style: chr12-49444315-G-A.
Other names: short protein forms P1019L.
Identifiers: ClinVar variation 4998111 (VCV004998111.1).
Genomic context (GRCh38, chr12:49,050,532, plus strand): 5'-GGAGGGGAGTTTTGGGGAACCAGGGAATGCTGAAGGAGTGGCGAACACTGAGGAGGAAGG[G>A]GCTCCATCAGGATGGGAGAAGCCGGCCCCACTGGGGAGCCTGGAGATGGGGGAAGGATCA-3'
Protein context (NP_003473.3, residues 1009-1029): VGPASPILME[Pro1019Leu]LPPQCSPLLQ